The following is an entry in ClinVar:

ClinVar aggregate classification (germline): Uncertain significance (1 of 4 stars; one submission).

Conditions:
Familial thoracic aortic aneurysm and aortic dissection (TAAD). Also called: Thoracic aortic aneurysms and dissections. Identifiers: Orphanet 91387, MedGen C4707243, MONDO:0019625.

Submission:

Ambry Genetics
Classification: Uncertain significance for Familial thoracic aortic aneurysm and aortic dissection. Last evaluated: 2023-02-26. Review status: criteria provided, single submitter. Criteria: Ambry Variant Classification Scheme 2023. Collection method: clinical testing. Allele origin: germline.
Comment: The p.Q1193E variant (also known as c.3577C>G), located in coding exon 26 of the MYH11 gene, results from a C to G substitution at nucleotide position 3577. The glutamine at codon 1193 is replaced by glutamic acid, an amino acid with highly similar properties. This amino acid position is conserved. In addition, the in silico prediction for this alteration is inconclusive. Since supporting evidence is limited at this time, the clinical significance of this alteration remains unclear.

NM_002474.3(MYH11):c.3577C>G (p.Gln1193Glu)

Gene: MYH11 (myosin heavy chain 11; minus strand). Cytogenetic location: 16p13.11.
Variant type: single nucleotide variant.
Coding change: c.3577C>G on transcript NM_002474.3 (MANE Select); coding-DNA position 3577, C replaced by G.
Protein change: p.Gln1193Glu; replaces glutamine 1193 with glutamic acid.
Molecular consequence: missense variant.
Genome position (GRCh38, 1-based): chr16:15,732,638, G>C on the plus strand (C>G on the coding strand, the complement: MYH11 is on the minus strand). VCF-style: chr16-15732638-G-C. GRCh37 (hg19) VCF-style: chr16-15826495-G-C.
Other names: c.3598C>G, p.Gln1200Glu (NM_001040113.2, NM_001040114.2); c.3577C>G, p.Gln1193Glu (NM_022844.3); short protein forms Q1200E, Q1193E.
Identifiers: ClinVar variation 2448088 (VCV002448088.2), dbSNP rs2041001425, ClinGen allele CA394861133.